The following is an entry in ClinVar:

NM_000531.6(OTC):c.539A>C (p.Gln180Pro)

Gene: OTC (ornithine transcarbamylase; plus strand). Cytogenetic location: Xp11.4.
Variant type: single nucleotide variant.
Coding change: c.539A>C on transcript NM_000531.6 (MANE Select); coding-DNA position 539, A replaced by C.
Protein change: p.Gln180Pro; replaces glutamine 180 with proline.
Molecular consequence: missense variant.
Genome position (GRCh38, 1-based): chrX:38,401,427, A>C. VCF-style: chrX-38401427-A-C. GRCh37 (hg19) VCF-style: chrX-38260680-A-C.
Other names: short protein forms Q180P.
Identifiers: ClinVar variation 1502715 (VCV001502715.8), dbSNP rs2147341500, ClinGen allele CA412724198.

ClinVar aggregate classification (germline): Likely pathogenic (1 of 4 stars; one submission).

Conditions:
Ornithine carbamoyltransferase deficiency (OTCD). Also called: ORNITHINE TRANSCARBAMYLASE DEFICIENCY; ORNITHINE TRANSCARBAMYLASE DEFICIENCY, HYPERAMMONEMIA DUE TO; OTC DEFICIENCY; Ornithine Carbamoyltransferase Deficiency Disease. Identifiers: Orphanet 664, MedGen C0268542, MONDO:0010703, OMIM 311250.

Submission:

Labcorp Genetics (formerly Invitae), Labcorp
Classification: Likely pathogenic for Ornithine carbamoyltransferase deficiency. Last evaluated: 2021-02-17. Review status: criteria provided, single submitter. Criteria: Invitae Variant Classification Sherloc (09022015). Collection method: clinical testing. Allele origin: germline.
Comment: This sequence change replaces glutamine with proline at codon 180 of the OTC protein (p.Gln180Pro). The glutamine residue is highly conserved and there is a moderate physicochemical difference between glutamine and proline. This variant is not present in population databases (ExAC no frequency). This missense change has been observed in individual(s) with ornithine transcarbamylase deficiency (PMID: 11745010). Algorithms developed to predict the effect of missense changes on protein structure and function are either unavailable or do not agree on the potential impact of this missense change (SIFT: "Tolerated"; PolyPhen-2: "Probably Damaging"; Align-GVGD: "Class C0"). Algorithms developed to predict the effect of sequence changes on RNA splicing suggest that this variant may disrupt the consensus splice site, but this prediction has not been confirmed by published transcriptional studies. This variant disrupts the p.Gln180 amino acid residue in OTC. Other variant(s) that disrupt this residue have been determined to be pathogenic (PMID: 10946359, 9452024, Invitae). This suggests that this residue is clinically significant, and that variants that disrupt this residue are likely to be disease-causing. In summary, the currently available evidence indicates that the variant is pathogenic, but additional data are needed to prove that conclusively. Therefore, this variant has been classified as Likely Pathogenic.

Literature cited by the submitters: PubMed 11745010; PubMed 10946359; PubMed 9452024.